The following is an entry in ClinVar:

ClinVar aggregate classification (germline): Uncertain significance (1 of 4 stars; one submission).

Conditions:
Baller-Gerold syndrome (BGS). Also called: CRANIOSYNOSTOSIS WITH RADIAL DEFECTS. Identifiers: Orphanet 1225, MedGen C0265308, MONDO:0009039, OMIM 218600.

gnomAD v4.1: 1 of 1,352,612 alleles (0.000074%); highest among the groups gnomAD compares: Non-Finnish European, 0.000095%; no homozygotes.

Submission:

Labcorp Genetics (formerly Invitae), Labcorp
Classification: Uncertain significance for Baller-Gerold syndrome. Last evaluated: 2022-08-09. Review status: criteria provided, single submitter. Criteria: Invitae Variant Classification Sherloc (09022015). Collection method: clinical testing. Allele origin: germline.
Comment: In summary, the available evidence is currently insufficient to determine the role of this variant in disease. Therefore, it has been classified as a Variant of Uncertain Significance. ClinVar contains an entry for this variant (Variation ID: 568177). This variant has not been reported in the literature in individuals affected with RECQL4-related conditions. This variant is not present in population databases (gnomAD no frequency). This sequence change replaces arginine, which is basic and polar, with tryptophan, which is neutral and slightly polar, at codon 20 of the RECQL4 protein (p.Arg20Trp).

NM_004260.4(RECQL4):c.58C>T (p.Arg20Trp)

Genes: RECQL4 (RecQ like helicase 4; minus strand), LOC130001411 (ATAC-STARR-seq lymphoblastoid silent region 19699; plus strand). Cytogenetic location: 8q24.3.
Variant type: single nucleotide variant.
Coding change: c.58C>T on transcript NM_004260.4 (MANE Select); coding-DNA position 58, C replaced by T.
Protein change: p.Arg20Trp; replaces arginine 20 with tryptophan.
Molecular consequence: missense variant.
Genome position (GRCh38, 1-based): chr8:144,517,727, G>A on the plus strand (C>T on the coding strand, the complement: RECQL4 is on the minus strand). VCF-style: chr8-144517727-G-A. GRCh37 (hg19) VCF-style: chr8-145743111-G-A.
Other names: short protein forms R20W.
Identifiers: ClinVar variation 568177 (VCV000568177.6), dbSNP rs1564812906, ClinGen allele CA372693755.